The following is an entry in ClinVar:

ClinVar aggregate classification (germline): Uncertain significance (1 of 4 stars; one submission).

Allele frequency attached by ClinVar (database versions not stated): gnomAD exomes 0.00001; ExAC 0.00002.

Submission:

GeneDx
Classification: Uncertain significance. Last evaluated: 2020-01-27. Review status: criteria provided, single submitter. Criteria: GeneDx Variant Classification Process June 2021. Collection method: clinical testing. Allele origin: germline. Affected: yes.
Comment: Has not been previously published as pathogenic or benign to our knowledge; In silico analysis, which includes protein predictors and evolutionary conservation, supports that this variant does not alter protein structure/function

NM_001099287.2(NIPAL4):c.1003A>G (p.Ile335Val)

Gene: NIPAL4 (NIPA like domain containing 4; plus strand). Cytogenetic location: 5q33.3.
Variant type: single nucleotide variant.
Coding change: c.1003A>G on transcript NM_001099287.2 (MANE Select); coding-DNA position 1003, A replaced by G.
Protein change: p.Ile335Val; replaces isoleucine 335 with valine.
Molecular consequence: missense variant.
Genome position (GRCh38, 1-based): chr5:157,472,748, A>G. VCF-style: chr5-157472748-A-G. GRCh37 (hg19) VCF-style: chr5-156899756-A-G.
Other names: c.946A>G, p.Ile316Val (NM_001172292.2); short protein forms I335V, I378V, I316V, I397V.
Identifiers: ClinVar variation 1315013 (VCV001315013.2), dbSNP rs769170713, ClinGen allele CA3534763.